The following is an entry in ClinVar:

NM_006005.3(WFS1):c.861_861+8del

Gene: WFS1 (wolframin ER transmembrane glycoprotein; plus strand). Cytogenetic location: 4p16.1.
Variant type: Deletion.
Coding change: c.861_861+8del on transcript NM_006005.3 (MANE Select); coding-DNA position 861 through 8 bases into the intron after coding-DNA position 861, 9 bases deleted (GGTGAGTGA; older notation c.861_861+8delGGTGAGTGA).
Molecular consequence: splice donor variant.
Genome position (GRCh38, 1-based): chr4:6,295,189-6,295,197, GGTGAGTGA deleted; deleting any 9 consecutive bases within chr4:6,295,188-6,295,197 gives the same sequence; the c. name uses the placement nearest the transcript's 3' end. VCF-style (leftmost placement, unchanged base first): chr4-6295187-AAGGTGAGTG-A. GRCh37 (hg19) VCF-style: chr4-6296914-AAGGTGAGTG-A.
Other names: c.861_861+8del (NM_001145853.1).
Identifiers: ClinVar variation 3250107 (VCV003250107.3).

ClinVar aggregate classification (germline): Pathogenic. Review status: criteria provided, single submitter (1 of 4 stars). 2 submissions from 2 submitters: Pathogenic (1). 1 of the submissions does not count toward it. Last evaluated 2024-09-11.

Conditions:
Optic atrophy. Identifiers: MedGen C0029124, MONDO:0003608, HP:0000648.

Submissions (2):

Labcorp Genetics (formerly Invitae), Labcorp
Classification: Pathogenic. Last evaluated: 2024-09-11. Review status: criteria provided, single submitter. Criteria: Invitae Variant Classification Sherloc (09022015). Collection method: clinical testing. Allele origin: germline.
Comment: This variant results in the deletion of part of exon 7 (c.861_861+8del) of the WFS1 gene. While this variant is not anticipated to result in nonsense mediated decay, it likely alters RNA splicing and results in a disrupted protein product. This variant is not present in population databases (gnomAD no frequency). This variant has not been reported in the literature in individuals affected with WFS1-related conditions. Variants that disrupt the consensus splice site are a relatively common cause of aberrant splicing (PMID: 17576681, 9536098). Algorithms developed to predict the effect of sequence changes on RNA splicing suggest that this variant may disrupt the consensus splice site. This variant disrupts a region of the WFS1 protein in which other variant(s) (p.Met306*) have been determined to be pathogenic (internal data). This suggests that this is a clinically significant region of the protein, and that variants that disrupt it are likely to be disease-causing. For these reasons, this variant has been classified as Pathogenic.

Institute of Human Genetics, Univ. Regensburg, Univ. Regensburg
Classification: Pathogenic for Optic atrophy. Last evaluated: 2022-01-01. Review status: no assertion criteria provided. Criteria: ACMG Guidelines, 2015. Collection method: clinical testing. Allele origin: germline. Affected: yes. Not counted in ClinVar's aggregate classification.

Literature cited by the submitters: PubMed 17576681 (cited by Labcorp Genetics (formerly Invitae), Labcorp); PubMed 9536098 (cited by Labcorp Genetics (formerly Invitae), Labcorp).